The following is an entry in ClinVar:

ClinVar aggregate classification (germline): Uncertain significance (1 of 4 stars; one submission).

Conditions:
Fanconi anemia (FA). Also called: Fanconi's anemia. Identifiers: Orphanet 84, MedGen C0015625, MeSH D005199, MONDO:0019391.

Allele frequency attached by ClinVar (database versions not stated): TOPMed below 0.00001; gnomAD 0.00001.
gnomAD v4.1: 1 of 1,613,928 alleles (0.000062%); highest among the groups gnomAD compares: Non-Finnish European, 0.000085%; no homozygotes.

Submission:

Labcorp Genetics (formerly Invitae), Labcorp
Classification: Uncertain significance for Fanconi anemia. Last evaluated: 2026-01-30. Review status: criteria provided, single submitter. Criteria: Invitae Variant Classification Sherloc (09022015). Collection method: clinical testing. Allele origin: germline.
Comment: This sequence change replaces valine, which is neutral and non-polar, with isoleucine, which is neutral and non-polar, at codon 1458 of the FANCD2 protein (p.Val1458Ile). This variant is not present in population databases (gnomAD no frequency). This variant has not been reported in the literature in individuals affected with FANCD2-related conditions. ClinVar contains an entry for this variant (Variation ID: 1516820). An algorithm developed to predict the effect of missense changes on protein structure and function outputs the following: PolyPhen-2: "Not Available". The isoleucine amino acid residue is found in multiple mammalian species, which suggests that this missense change does not adversely affect protein function. In summary, the available evidence is currently insufficient to determine the role of this variant in disease. Therefore, it has been classified as a Variant of Uncertain Significance.

NM_001018115.3(FANCD2):c.4281+91G>A

Genes: FANCD2 (FA complementation group D2; plus strand), FANCD2OS (FANCD2 opposite strand; minus strand). Cytogenetic location: 3p25.3.
Variant type: single nucleotide variant.
Coding change: c.4281+91G>A on transcript NM_001018115.3 (MANE Select); 91 bases into the intron after coding-DNA position 4281, G replaced by A.
Molecular consequence: intron variant. On other transcripts: missense variant (2).
Genome position (GRCh38, 1-based): chr3:10,098,906, G>A. VCF-style: chr3-10098906-G-A. GRCh37 (hg19) VCF-style: chr3-10140590-G-A.
Other names: c.4333G>A, p.Val1445Ile (NM_001374254.1); c.4372G>A, p.Val1458Ile (NM_033084.6); c.4281+91G>A (NM_001319984.2); c.4170+91G>A (NM_001374253.1); c.*43+5292C>T (NM_173472.2); short protein forms V1445I, V1458I.
Identifiers: ClinVar variation 1516820 (VCV001516820.4), dbSNP rs771414227, ClinGen allele CA351759169.
Genomic context (GRCh38, chr3:10,098,906, plus strand): 5'-ACTGATGGTTGCATTTTGTTAATTGTTCTAAGTTGGTGGAGCAGAACTTTGCCTACTTAT[G>A]TTTATTGTCAAATGCTTCTATGCCCATTTCCATTCCCTCCATAACAGCTTCTGTGCTTAT-3'